The following is an entry in ClinVar:

ClinVar aggregate classification (germline): Uncertain significance (1 of 4 stars; one submission).

gnomAD v4.1: 1 of 1,614,098 alleles (0.000062%); highest among the groups gnomAD compares: Admixed American, 0.0017%; no homozygotes.

Submission:

Labcorp Genetics (formerly Invitae), Labcorp
Classification: Uncertain significance. Last evaluated: 2024-03-28. Review status: criteria provided, single submitter. Criteria: Invitae Variant Classification Sherloc (09022015). Collection method: clinical testing. Allele origin: germline.
Comment: This sequence change replaces lysine, which is basic and polar, with glutamic acid, which is acidic and polar, at codon 440 of the RFWD3 protein (p.Lys440Glu). This variant is present in population databases (no rsID available, gnomAD 0.003%). This variant has not been reported in the literature in individuals affected with RFWD3-related conditions. An algorithm developed to predict the effect of missense changes on protein structure and function (PolyPhen-2) suggests that this variant is likely to be disruptive. In summary, the available evidence is currently insufficient to determine the role of this variant in disease. Therefore, it has been classified as a Variant of Uncertain Significance.

NM_018124.4(RFWD3):c.1318A>G (p.Lys440Glu)

Gene: RFWD3 (ring finger and WD repeat domain 3; minus strand). Cytogenetic location: 16q23.1.
Variant type: single nucleotide variant.
Coding change: c.1318A>G on transcript NM_018124.4 (MANE Select); coding-DNA position 1318, A replaced by G.
Protein change: p.Lys440Glu; replaces lysine 440 with glutamic acid.
Molecular consequence: missense variant.
Genome position (GRCh38, 1-based): chr16:74,636,454, T>C on the plus strand (A>G on the coding strand, the complement: RFWD3 is on the minus strand). VCF-style: chr16-74636454-T-C. GRCh37 (hg19) VCF-style: chr16-74670352-T-C.
Other names: c.1318A>G, p.Lys440Glu (NM_001370534.1, NM_001370535.1, NM_001370536.1); c.484A>G, p.Lys162Glu (NM_001370537.1, NM_001370539.1, NM_001370540.1 and 2 more transcripts); short protein forms K440E, K162E.
Identifiers: ClinVar variation 3647933 (VCV003647933.2).
Genomic context (GRCh38, chr16:74,636,454, plus strand): 5'-TCAGAGCATCACAGTATGCCATGATCCGGCAGTTTCCTGCCTGAGATACTGTGAAGGTCT[T>C]TTGGAAGTGGTACTTGTGCTTGTGCTGGCCCTGGCTGGAGGGTGAGCAGCTCAGGACCCA-3'
Protein context (NP_060594.3, residues 430-450): GQHKHKYHFQ[Lys440Glu]TFTVSQAGNC